The following is an entry in ClinVar:

ClinVar aggregate classification (germline): Likely benign. Review status: criteria provided, multiple submitters, no conflicts (2 of 4 stars). 2 submissions from 2 submitters: Likely benign (2). Last evaluated 2024-12-09.

Allele frequency attached by ClinVar (database versions not stated): gnomAD exomes below 0.00001; ExAC 0.00001; gnomAD 0.00003.

Submissions (2):

Athena Diagnostics
Classification: Likely benign. Last evaluated: 2024-12-09. Review status: criteria provided, single submitter. Criteria: Athena Diagnostics Criteria. Collection method: clinical testing. Allele origin: unknown.
Comment: Computational tools yielded predictions that this variant is unlikely to have an effect on normal RNA splicing. This nucleotide position exhibits low evolutionary conservation.

Labcorp Genetics (formerly Invitae), Labcorp
Classification: Likely benign. Last evaluated: 2022-09-14. Review status: criteria provided, single submitter. Criteria: Invitae Variant Classification Sherloc (09022015). Collection method: clinical testing. Allele origin: germline.

NM_017837.4(PIGV):c.1110C>T (p.Pro370=)

Gene: PIGV (phosphatidylinositol glycan anchor biosynthesis class V; plus strand). Cytogenetic location: 1p36.11.
Variant type: single nucleotide variant.
Coding change: c.1110C>T on transcript NM_017837.4 (MANE Select); coding-DNA position 1110, C replaced by T.
Protein change: p.Pro370=; no amino-acid change (proline 370 retained).
Molecular consequence: synonymous variant. On other transcripts: non-coding transcript variant (1), intron variant (1).
Genome position (GRCh38, 1-based): chr1:26,795,144, C>T. VCF-style: chr1-26795144-C-T. GRCh37 (hg19) VCF-style: chr1-27121635-C-T.
Other names: c.1110C>T, p.Pro370= (NM_001202554.2, NM_001374478.1, NM_001374480.1 and 2 more transcripts); c.729C>T, p.Pro243= (NM_001374483.1); c.483C>T, p.Pro161= (NM_001374484.1, NM_001374485.1); c.79-2419C>T (NM_001374486.1); c.1110C>T (NM_001202554.1).
Identifiers: ClinVar variation 1667814 (VCV001667814.10), dbSNP rs760863759, ClinGen allele CA708167.